The following is an entry in ClinVar:

ClinVar aggregate classification (germline): Uncertain significance (1 of 4 stars; one submission).

Allele frequency attached by ClinVar (database versions not stated): TOPMed 0.00002; ExAC 0.00027; 1000 Genomes Project 0.00040; 1000 Genomes Project 30x 0.00047.

Submission:

Labcorp Genetics (formerly Invitae), Labcorp
Classification: Uncertain significance. Last evaluated: 2022-08-15. Review status: criteria provided, single submitter. Criteria: Invitae Variant Classification Sherloc (09022015). Collection method: clinical testing. Allele origin: germline.
Comment: In summary, the available evidence is currently insufficient to determine the role of this variant in disease. Therefore, it has been classified as a Variant of Uncertain Significance. This sequence change replaces arginine, which is basic and polar, with glutamine, which is neutral and polar, at codon 81 of the NDUFA13 protein (p.Arg81Gln). This variant is present in population databases (rs546808333, gnomAD 0.1%). This variant has not been reported in the literature in individuals affected with NDUFA13-related conditions. Algorithms developed to predict the effect of missense changes on protein structure and function are either unavailable or do not agree on the potential impact of this missense change (SIFT: "Deleterious"; PolyPhen-2: "Probably Damaging"; Align-GVGD: "Class C0").

NM_015965.7(NDUFA13):c.242G>A (p.Arg81Gln)

Gene: NDUFA13 (NADH:ubiquinone oxidoreductase subunit A13; plus strand). Cytogenetic location: 19p13.11.
Variant type: single nucleotide variant.
Coding change: c.242G>A on transcript NM_015965.7 (MANE Select); coding-DNA position 242, G replaced by A.
Protein change: p.Arg81Gln; replaces arginine 81 with glutamine.
Molecular consequence: missense variant.
Genome position (GRCh38, 1-based): chr19:19,527,349, G>A. VCF-style: chr19-19527349-G-A. GRCh37 (hg19) VCF-style: chr19-19638158-G-A.
Other names: short protein forms R81Q.
Identifiers: ClinVar variation 2428334 (VCV002428334.5), dbSNP rs546808333, ClinGen allele CA9327759.